The following is an entry in ClinVar:

ClinVar aggregate classification (germline): Uncertain significance (1 of 4 stars; one submission).

Conditions:
Brachyolmia-amelogenesis imperfecta syndrome. Also called: Tooth agenesis, selective, 6; Dental anomalies and short stature; PLATYSPONDYLY WITH AMELOGENESIS IMPERFECTA. Identifiers: Orphanet 2899, MedGen C1832594, MONDO:0011018, OMIM 601216. Disease mechanism: loss of function.

gnomAD v4.1: 2 of 1,517,554 alleles (0.00013%); highest among the groups gnomAD compares: Admixed American, 0.002%; no homozygotes.

Submission:

Labcorp Genetics (formerly Invitae), Labcorp
Classification: Uncertain significance for Brachyolmia-amelogenesis imperfecta syndrome. Last evaluated: 2025-08-31. Review status: criteria provided, single submitter. Criteria: Invitae Variant Classification Sherloc (09022015). Collection method: clinical testing. Allele origin: germline.
Comment: This sequence change replaces glycine, which is neutral and non-polar, with serine, which is neutral and polar, at codon 1118 of the LTBP3 protein (p.Gly1118Ser). This variant is not present in population databases (gnomAD no frequency). This variant has not been reported in the literature in individuals affected with LTBP3-related conditions. An algorithm developed to predict the effect of missense changes on protein structure and function (PolyPhen-2) suggests that this variant is likely to be disruptive. In summary, the available evidence is currently insufficient to determine the role of this variant in disease. Therefore, it has been classified as a Variant of Uncertain Significance.

NM_001130144.3(LTBP3):c.3352G>A (p.Gly1118Ser)

Genes: LTBP3 (latent transforming growth factor beta binding protein 3; minus strand), LOC130006027 (ATAC-STARR-seq lymphoblastoid silent region 3530; plus strand). Cytogenetic location: 11q13.1.
Variant type: single nucleotide variant.
Coding change: c.3352G>A on transcript NM_001130144.3 (MANE Select); coding-DNA position 3352, G replaced by A.
Protein change: p.Gly1118Ser; replaces glycine 1118 with serine.
Molecular consequence: missense variant. On other transcripts: intron variant (2).
Genome position (GRCh38, 1-based): chr11:65,540,046, C>T on the plus strand (G>A on the coding strand, the complement: LTBP3 is on the minus strand). VCF-style: chr11-65540046-C-T. GRCh37 (hg19) VCF-style: chr11-65307517-C-T.
Other names: c.2894-165G>A (NM_001164266.1); c.3245-165G>A (NM_021070.4); short protein forms G1118S.
Identifiers: ClinVar variation 4778931 (VCV004778931.1).